The following is an entry in ClinVar:

NM_000289.6(PFKM):c.1905T>A (p.Tyr635Ter)

Gene: PFKM (phosphofructokinase, muscle; plus strand). Cytogenetic location: 12q13.11.
Variant type: single nucleotide variant.
Coding change: c.1905T>A on transcript NM_000289.6 (MANE Select); coding-DNA position 1905, T replaced by A.
Protein change: p.Tyr635Ter; replaces tyrosine 635 with a stop codon.
Molecular consequence: nonsense. On other transcripts: non-coding transcript variant (6).
Genome position (GRCh38, 1-based): chr12:48,144,070, T>A. VCF-style: chr12-48144070-T-A. GRCh37 (hg19) VCF-style: chr12-48537853-T-A.
Other names: c.2118T>A, p.Tyr706Ter (NM_001166686.2, NM_001354737.1, NM_001354738.1 and 1 more transcripts); c.1905T>A, p.Tyr635Ter (NM_001166687.2, NM_001166688.2, NM_001354742.2 and 2 more transcripts); c.2214T>A, p.Tyr738Ter (NM_001354735.1, NM_001354736.1); c.2049T>A, p.Tyr683Ter (NM_001354740.1); c.1929T>A, p.Tyr643Ter (NM_001354741.2); c.1818T>A, p.Tyr606Ter (NM_001354745.2); c.1779T>A, p.Tyr593Ter (NM_001354746.2); c.1755T>A, p.Tyr585Ter (NM_001354747.2, NM_001354748.2); and 1 more; short protein forms Y585*, Y593*, Y604*, Y606*, Y635*, Y643*, Y683*, Y706*.
Identifiers: ClinVar variation 1726864 (VCV001726864.3), dbSNP rs1193700814, ClinGen allele CA384554901.

ClinVar aggregate classification (germline): Likely pathogenic. Review status: criteria provided, multiple submitters, no conflicts (2 of 4 stars). 2 submissions from 2 submitters: Likely pathogenic (2). Last evaluated 2022-03-14.

Conditions:
Glycogen storage disease, type VII (GSD7). Also called: PFKM DEFICIENCY; TARUI DISEASE; GSD VII; MUSCLE PHOSPHOFRUCTOKINASE DEFICIENCY. Identifiers: Orphanet 371, MedGen C0017926, MONDO:0009295, OMIM 232800.

Allele frequency attached by ClinVar (database versions not stated): TOPMed below 0.00001; gnomAD 0.00001.
gnomAD v4.1: 2 of 1,613,354 alleles (0.00012%); highest among the groups gnomAD compares: Non-Finnish European, 0.00017%; no homozygotes.

Submissions (2):

Baylor Genetics
Classification: Likely pathogenic for Glycogen storage disease, type VII. Last evaluated: 2022-03-14. Review status: criteria provided, single submitter. Criteria: ACMG Guidelines, 2015. Collection method: clinical testing. Allele origin: unknown.

Myriad Genetics, Inc.
Classification: Likely pathogenic for Glycogen storage disease, type VII. Last evaluated: 2022-01-02. Review status: criteria provided, single submitter. Criteria: Myriad Women's Health Autosomal Recessive and X-Linked Classification Criteria (2021). Collection method: clinical testing. Allele origin: unknown.
Comment: NM_001166686.1(PFKM):c.2118T>A(Y706*) is expected to be pathogenic in the context of glycogen storage disease type VII. This variant is predicted to lead to an abnormal or absent protein product due to the creation of a premature termination codon in PFKM, a gene where loss-of-function variants are known to be pathogenic. Please note: this variant was assessed in the context of healthy population screening.